The following is an entry in ClinVar:

ClinVar aggregate classification (germline): Uncertain significance (1 of 4 stars; one submission).

Allele frequency attached by ClinVar (database versions not stated): ExAC 0.00005; ESP Exome Variant Server 0.00008; TOPMed 0.00008; gnomAD 0.00010; gnomAD exomes 0.00020.
gnomAD v4.1: 301 of 1,587,164 alleles (0.019%); highest among the groups gnomAD compares: Non-Finnish European, 0.024%; 1 homozygote.

Submission:

Labcorp Genetics (formerly Invitae), Labcorp
Classification: Uncertain significance. Last evaluated: 2022-03-20. Review status: criteria provided, single submitter. Criteria: Invitae Variant Classification Sherloc (09022015). Collection method: clinical testing. Allele origin: germline.
Comment: In summary, the available evidence is currently insufficient to determine the role of this variant in disease. Therefore, it has been classified as a Variant of Uncertain Significance. Variants that disrupt the consensus splice site are a relatively common cause of aberrant splicing (PMID: 17576681, 9536098). Algorithms developed to predict the effect of sequence changes on RNA splicing suggest that this variant may create or strengthen a splice site. This variant has not been reported in the literature in individuals affected with SMOC2-related conditions. This variant is present in population databases (rs375539173, gnomAD 0.02%). This sequence change falls in intron 8 of the SMOC2 gene. It does not directly change the encoded amino acid sequence of the SMOC2 protein. It affects a nucleotide within the consensus splice site.

Literature cited by the submitters: PubMed 17576681; PubMed 9536098.

NM_001166412.2(SMOC2):c.824+4A>G

Gene: SMOC2 (SPARC related modular calcium binding 2; plus strand). Cytogenetic location: 6q27.
Variant type: single nucleotide variant.
Coding change: c.824+4A>G on transcript NM_001166412.2 (MANE Select); 4 bases into the intron after coding-DNA position 824, A replaced by G.
Molecular consequence: intron variant.
Genome position (GRCh38, 1-based): chr6:168,599,008, A>G. VCF-style: chr6-168599008-A-G. GRCh37 (hg19) VCF-style: chr6-168999688-A-G.
Other names: c.857+4A>G (NM_022138.3).
Identifiers: ClinVar variation 2197970 (VCV002197970.4), dbSNP rs375539173, ClinGen allele CA4102286.